The following is an entry in ClinVar:

NM_001164508.2(NEB):c.19406G>C (p.Arg6469Pro)

Gene: NEB (nebulin; minus strand). Cytogenetic location: 2q23.3.
Variant type: single nucleotide variant.
Coding change: c.19406G>C on transcript NM_001164508.2 (MANE Select); coding-DNA position 19406, G replaced by C.
Protein change: p.Arg6469Pro; replaces arginine 6469 with proline.
Molecular consequence: missense variant.
Genome position (GRCh38, 1-based): chr2:151,554,953, C>G on the plus strand (G>C on the coding strand, the complement: NEB is on the minus strand). VCF-style: chr2-151554953-C-G. GRCh37 (hg19) VCF-style: chr2-152411467-C-G.
Other names: c.14303G>C (NM_004543.4); c.19406G>C, p.Arg6469Pro (NM_001164507.2, NM_001271208.2); c.14303G>C, p.Arg4768Pro (NM_004543.5); short protein forms R6469P, R4768P.
Identifiers: ClinVar variation 843551 (VCV000843551.11), dbSNP rs556624010, ClinGen allele CA1907660.

ClinVar aggregate classification (germline): Uncertain significance. Review status: criteria provided, multiple submitters, no conflicts (2 of 4 stars). 3 submissions from 3 submitters: Uncertain significance (2). 1 of the submissions does not count toward it. Last evaluated 2025-06-12.

Conditions:
Nemaline myopathy 2 (NEM2). Also called: Nemaline myopathy 2, autosomal recessive. Identifiers: MedGen C1850569, MONDO:0009725, OMIM 256030.
Inborn genetic diseases. Identifiers: MedGen C0950123, MeSH D030342.

Allele frequency attached by ClinVar (database versions not stated): TOPMed 0.00004.
gnomAD v4.1: 4 of 1,613,538 alleles (0.00025%); highest among the groups gnomAD compares: East Asian, 0.0045%; no homozygotes.

Submissions (3):

Ambry Genetics
Classification: Uncertain significance for Inborn genetic diseases. Last evaluated: 2025-06-12. Review status: criteria provided, single submitter. Criteria: Ambry Variant Classification Scheme 2023. Collection method: clinical testing. Allele origin: germline.

Labcorp Genetics (formerly Invitae), Labcorp
Classification: Uncertain significance for Nemaline myopathy 2. Last evaluated: 2021-08-27. Review status: criteria provided, single submitter. Criteria: Invitae Variant Classification Sherloc (09022015). Collection method: clinical testing. Allele origin: germline.
Comment: This sequence change replaces arginine with proline at codon 6469 of the NEB protein (p.Arg6469Pro). The arginine residue is moderately conserved and there is a moderate physicochemical difference between arginine and proline. This variant is present in population databases (rs556624010, ExAC 0.01%). This variant has not been reported in the literature in individuals affected with NEB-related conditions. Algorithms developed to predict the effect of missense changes on protein structure and function are either unavailable or do not agree on the potential impact of this missense change (SIFT: "Deleterious"; PolyPhen-2: "Not Available"; Align-GVGD: "Class C0"). In summary, the available evidence is currently insufficient to determine the role of this variant in disease. Therefore, it has been classified as a Variant of Uncertain Significance.

Natera, Inc.
Classification: Uncertain significance for Nemaline myopathy type 2. Last evaluated: 2020-09-09. Review status: no assertion criteria provided. Collection method: clinical testing. Allele origin: germline. Not counted in ClinVar's aggregate classification.